The following is an entry in ClinVar:

ClinVar aggregate classification (germline): Likely pathogenic (1 of 4 stars; one submission).

Conditions:
Autosomal recessive limb-girdle muscular dystrophy type 2A (LGMDR1). Also called: LEYDEN-MOEBIUS MUSCULAR DYSTROPHY; MUSCULAR DYSTROPHY, PELVOFEMORAL; Muscular dystrophy, limb-girdle, type 2A, Amish; Limb-girdle muscular dystrophy, type 2A; Calpainopathy. Identifiers: Orphanet 267, MedGen C1869123, MONDO:0009675, OMIM 253600. Disease mechanism: loss of function.

Submission:

Neuberg Centre For Genomic Medicine, NCGM
Classification: Likely pathogenic for Autosomal recessive limb-girdle muscular dystrophy type 2A. Last evaluated: 2023-06-22. Review status: criteria provided, single submitter. Criteria: ACMG Guidelines, 2015. Collection method: clinical testing. Allele origin: germline. Inheritance: Autosomal recessive inheritance. Affected: yes.
Comment: The observed frameshift c.1743dup(p.Glu582Ter) variant in CAPN3 gene has been reported previously in homozygous or compound heterozygous state in individual(s) affected with muscular dystrophy, limb-girdle, type 2A; LGMD2A (Ganaraja et al., 2021). This variant is absent in gnomAD Exomes. This variant is predicted to cause loss of normal protein function through protein truncation. Loss of function variants have been previously reported to be disease causing (Sáenz et al., 2005). For these reasons, this variant has been classified as Likely Pathogenic.

NM_000070.3(CAPN3):c.1743dup (p.Glu582Ter)

Gene: CAPN3 (calpain 3; plus strand). Cytogenetic location: 15q15.1.
Variant type: Duplication.
Coding change: c.1743dup on transcript NM_000070.3 (MANE Select); coding-DNA position 1743, one base duplicated (T; older notation c.1743dupT).
Protein change: p.Glu582Ter; replaces glutamic acid 582 with a stop codon.
Molecular consequence: nonsense.
Genome position (GRCh38, 1-based): chr15:42,403,000, T duplicated. VCF-style (leftmost placement, unchanged base first): chr15-42402999-C-CT. GRCh37 (hg19) VCF-style: chr15-42695197-C-CT.
Other names: c.1743dup, p.Glu582Ter (NM_024344.2); c.1599dup, p.Glu534Ter (NM_173087.2); c.207dup, p.Glu70Ter (NM_173088.2); short protein forms E534*, E582*, E70*.
Identifiers: ClinVar variation 3731383 (VCV003731383.1).